The following is an entry in ClinVar:

NM_006623.4(PHGDH):c.136C>T (p.Gln46Ter)

Gene: PHGDH (phosphoglycerate dehydrogenase; plus strand). Cytogenetic location: 1p12.
Variant type: single nucleotide variant.
Coding change: c.136C>T on transcript NM_006623.4 (MANE Select); coding-DNA position 136, C replaced by T.
Protein change: p.Gln46Ter; replaces glutamine 46 with a stop codon.
Molecular consequence: nonsense.
Genome position (GRCh38, 1-based): chr1:119,712,158, C>T. VCF-style: chr1-119712158-C-T. GRCh37 (hg19) VCF-style: chr1-120254781-C-T.
Other names: short protein forms Q46*.
Identifiers: ClinVar variation 5006644 (VCV005006644.2).

ClinVar aggregate classification (germline): Likely pathogenic (1 of 4 stars; one submission).

Conditions:
Neu-Laxova syndrome 1 (NLS1). Identifiers: Orphanet 2671, Orphanet 583607, MedGen C4551478, MONDO:0009736, OMIM 256520. Disease mechanism: loss of function.
PHGDH deficiency. Identifiers: Orphanet 79351, MedGen C1866174, MONDO:0011152, OMIM 601815.

Submission:

Juno Genomics, Hangzhou Juno Genomics, Inc
Classification: Likely pathogenic for Neu-Laxova syndrome 1; PHGDH deficiency. Review status: criteria provided, single submitter. Criteria: ACMG Guidelines, 2015. Collection method: clinical testing. Allele origin: germline.
Comment: Absent from controls (or at extremely low frequency if recessive) in Genome Aggregation Database.;Null variant in a gene where loss of function (LOF) is a known mechanism of disease.